The following is an entry in ClinVar:

NM_001135649.3(FOXI3):c.85G>C (p.Ala29Pro)

Gene: FOXI3 (forkhead box I3; minus strand). Cytogenetic location: 2p11.2.
Variant type: single nucleotide variant.
Coding change: c.85G>C on transcript NM_001135649.3 (MANE Select); coding-DNA position 85, G replaced by C.
Protein change: p.Ala29Pro; replaces alanine 29 with proline.
Molecular consequence: missense variant.
Genome position (GRCh38, 1-based): chr2:88,452,451, C>G on the plus strand (G>C on the coding strand, the complement: FOXI3 is on the minus strand). VCF-style: chr2-88452451-C-G. GRCh37 (hg19) VCF-style: chr2-88751969-C-G.
Other names: short protein forms A29P.
Identifiers: ClinVar variation 2059994 (VCV002059994.4), dbSNP rs1233824552, ClinGen allele CA347767086.

ClinVar aggregate classification (germline): Uncertain significance (1 of 4 stars; one submission).

Submission:

Labcorp Genetics (formerly Invitae), Labcorp
Classification: Uncertain significance. Last evaluated: 2022-04-06. Review status: criteria provided, single submitter. Criteria: Invitae Variant Classification Sherloc (09022015). Collection method: clinical testing. Allele origin: germline.
Comment: In summary, the available evidence is currently insufficient to determine the role of this variant in disease. Therefore, it has been classified as a Variant of Uncertain Significance. Experimental studies and prediction algorithms are not available or were not evaluated, and the functional significance of this variant is currently unknown. This variant has not been reported in the literature in individuals affected with FOXI3-related conditions. The frequency data for this variant in the population databases is considered unreliable, as metrics indicate insufficient coverage at this position in the gnomAD database. This sequence change replaces alanine, which is neutral and non-polar, with proline, which is neutral and non-polar, at codon 29 of the FOXI3 protein (p.Ala29Pro).